The following is an entry in ClinVar:

NM_000038.6(APC):c.6182A>C (p.Glu2061Ala)

Gene: APC (APC regulator of Wnt signaling pathway; plus strand). Cytogenetic location: 5q22.2.
Variant type: single nucleotide variant.
Coding change: c.6182A>C on transcript NM_000038.6 (MANE Select); coding-DNA position 6182, A replaced by C.
Protein change: p.Glu2061Ala; replaces glutamic acid 2061 with alanine.
Molecular consequence: missense variant. On other transcripts: non-coding transcript variant (2).
Genome position (GRCh38, 1-based): chr5:112,841,776, A>C. VCF-style: chr5-112841776-A-C. GRCh37 (hg19) VCF-style: chr5-112177473-A-C.
Other names: c.6182A>C, p.Glu2061Ala (NM_001127510.3, NM_001354895.2, NM_001407450.1); c.6128A>C, p.Glu2043Ala (NM_001127511.3); c.6236A>C, p.Glu2079Ala (NM_001354896.2, NM_001407447.1, NM_001407448.1 and 1 more transcripts); c.6212A>C, p.Glu2071Ala (NM_001354897.2); c.6107A>C, p.Glu2036Ala (NM_001354898.2); c.6098A>C, p.Glu2033Ala (NM_001354899.2); c.6059A>C, p.Glu2020Ala (NM_001354900.2); c.6005A>C, p.Glu2002Ala (NM_001354901.2, NM_001407453.1); and 11 more; short protein forms E1932A, E1935A, E2002A, E2020A, E2033A, E2051A, E2061A, E2089A.
Identifiers: ClinVar variation 5025881 (VCV005025881.1).

ClinVar aggregate classification (germline): Uncertain significance (1 of 4 stars; one submission).

Conditions:
Hereditary cancer-predisposing syndrome. Also called: Neoplastic Syndromes, Hereditary; Tumor predisposition; Hereditary neoplastic syndrome; Hereditary Cancer Syndrome. Identifiers: Orphanet 140162, MedGen C0027672, MeSH D009386, MONDO:0015356.

Submission:

Ambry Genetics
Classification: Uncertain significance for Hereditary cancer-predisposing syndrome. Last evaluated: 2026-08-23. Review status: criteria provided, single submitter. Criteria: Ambry Variant Classification Scheme 2023. Collection method: clinical testing. Allele origin: germline.
Comment: The p.E2061A variant (also known as c.6182A>C), located in coding exon 15 of the APC gene, results from an A to C substitution at nucleotide position 6182. The glutamic acid at codon 2061 is replaced by alanine, an amino acid with dissimilar properties. This amino acid position is conserved. In addition, in silico predictors for this gene do not accurately predict pathogenicity. Based on the available evidence, the clinical significance of this variant remains unclear.